The following is an entry in ClinVar:

ClinVar aggregate classification (germline): Uncertain significance. Review status: criteria provided, multiple submitters, no conflicts (2 of 4 stars). 2 submissions from 2 submitters: Uncertain significance (2). Last evaluated 2026-05-01.

Conditions:
Hereditary cancer-predisposing syndrome. Also called: Tumor predisposition; Hereditary neoplastic syndrome; Neoplastic Syndromes, Hereditary; Hereditary Cancer Syndrome. Identifiers: Orphanet 140162, MedGen C0027672, MeSH D009386, MONDO:0015356.
Cardiovascular phenotype. Identifiers: MedGen CN230736.
Neurofibromatosis, type 1 (NF1). Also called: Neurofibromatosis, type I; VON RECKLINGHAUSEN DISEASE; NEUROFIBROMATOSIS, TYPE I, SOMATIC; Peripheral type neurofibromatosis. Identifiers: Orphanet 636, MedGen C0027831, MONDO:0018975, OMIM 162200. Disease mechanism: loss of function.

Submissions (2):

Ambry Genetics
Classification: Uncertain significance for Cardiovascular phenotype; Hereditary cancer-predisposing syndrome. Last evaluated: 2026-05-01. Review status: criteria provided, single submitter. Criteria: Ambry Variant Classification Scheme 2023. Collection method: clinical testing. Allele origin: germline.
Comment: The p.S382F variant (also known as c.1145C>T), located in coding exon 10 of the NF1 gene, results from a C to T substitution at nucleotide position 1145. The serine at codon 382 is replaced by phenylalanine, an amino acid with highly dissimilar properties. This amino acid position is highly conserved in available vertebrate species. In addition, this alteration is predicted to be deleterious by in silico analysis. Based on the available evidence, the clinical significance of this variant remains unclear.

Labcorp Genetics (formerly Invitae), Labcorp
Classification: Uncertain significance for Neurofibromatosis, type 1. Last evaluated: 2020-11-25. Review status: criteria provided, single submitter. Criteria: Invitae Variant Classification Sherloc (09022015). Collection method: clinical testing. Allele origin: germline.
Comment: In summary, the available evidence is currently insufficient to determine the role of this variant in disease. Therefore, it has been classified as a Variant of Uncertain Significance. Algorithms developed to predict the effect of missense changes on protein structure and function do not agree on the potential impact of this missense change (SIFT: "Deleterious"; PolyPhen-2: "Probably Damaging"; Align-GVGD: "Class C15"). This variant has been reported in the literature in an individual affected with lentigo maligna (PMID: 26076063). This variant is not present in population databases (ExAC no frequency). This sequence change replaces serine with phenylalanine at codon 382 of the NF1 protein (p.Ser382Phe). The serine residue is highly conserved and there is a large physicochemical difference between serine and phenylalanine.

Literature cited by the submitters: PubMed 26076063 (cited by Labcorp Genetics (formerly Invitae), Labcorp).

NM_001042492.3(NF1):c.1145C>T (p.Ser382Phe)

Gene: NF1 (neurofibromin 1; plus strand). Cytogenetic location: 17q11.2.
Variant type: single nucleotide variant.
Coding change: c.1145C>T on transcript NM_001042492.3 (MANE Select); coding-DNA position 1145, C replaced by T.
Protein change: p.Ser382Phe; replaces serine 382 with phenylalanine.
Molecular consequence: missense variant.
Genome position (GRCh38, 1-based): chr17:31,201,119, C>T. VCF-style: chr17-31201119-C-T. GRCh37 (hg19) VCF-style: chr17-29528137-C-T.
Other names: c.1145C>T, p.Ser382Phe (NM_000267.4, NM_001128147.3); short protein forms S382F.
Identifiers: ClinVar variation 527477 (VCV000527477.6), dbSNP rs1555611016, ClinGen allele CA398997106.